The following is an entry in ClinVar:

NM_020987.5(ANK3):c.5414G>A (p.Gly1805Glu)

Gene: ANK3 (ankyrin 3; minus strand). Cytogenetic location: 10q21.2.
Variant type: single nucleotide variant.
Coding change: c.5414G>A on transcript NM_020987.5 (MANE Select); coding-DNA position 5414, G replaced by A.
Protein change: p.Gly1805Glu; replaces glycine 1805 with glutamic acid.
Molecular consequence: missense variant. On other transcripts: intron variant (4).
Genome position (GRCh38, 1-based): chr10:60,075,467, C>T on the plus strand (G>A on the coding strand, the complement: ANK3 is on the minus strand). VCF-style: chr10-60075467-C-T. GRCh37 (hg19) VCF-style: chr10-61835225-C-T.
Other names: c.4387+5070G>A (NM_001204403.2); c.4408+5070G>A (NM_001204404.2); c.4405+5070G>A (NM_001320874.2); c.1807+5070G>A (NM_001149.4); short protein forms G1805E.
Identifiers: ClinVar variation 2795257 (VCV002795257.3), dbSNP rs2492572100, ClinGen allele CA377015596.

ClinVar aggregate classification (germline): Uncertain significance (1 of 4 stars; one submission).

Submission:

Labcorp Genetics (formerly Invitae), Labcorp
Classification: Uncertain significance. Last evaluated: 2023-11-28. Review status: criteria provided, single submitter. Criteria: Invitae Variant Classification Sherloc (09022015). Collection method: clinical testing. Allele origin: germline.
Comment: This sequence change replaces glycine, which is neutral and non-polar, with glutamic acid, which is acidic and polar, at codon 1805 of the ANK3 protein (p.Gly1805Glu). This variant is not present in population databases (gnomAD no frequency). This variant has not been reported in the literature in individuals affected with ANK3-related conditions. Advanced modeling of protein sequence and biophysical properties (such as structural, functional, and spatial information, amino acid conservation, physicochemical variation, residue mobility, and thermodynamic stability) performed at Invitae indicates that this missense variant is not expected to disrupt ANK3 protein function with a negative predictive value of 80%. In summary, the available evidence is currently insufficient to determine the role of this variant in disease. Therefore, it has been classified as a Variant of Uncertain Significance.